The following is an entry in ClinVar:

ClinVar aggregate classification (germline): Pathogenic (1 of 4 stars; one submission).

Conditions:
Carnitine palmitoyltransferase II deficiency. Also called: Carnitine Palmitoyltransferase 2 Deficiency. Identifiers: Orphanet 157, MedGen C0342790, MONDO:0015515.

Submission:

Myriad Genetics, Inc.
Classification: Pathogenic for Carnitine palmitoyltransferase II deficiency. Last evaluated: 2025-12-09. Review status: criteria provided, single submitter. Criteria: Myriad Autosomal Dominant, Autosomal Recessive and X-Linked Classification Criteria (2023). Collection method: clinical testing. Allele origin: unknown.
Comment: NM_000098.2(CPT2):c.1156G>T(E386*) is a nonsense variant classified as pathogenic in the context of carnitine palmitoyltransferase II deficiency. E386* has not been observed in cases with relevant disease. Relevant functional assessments of this variant are not available in the literature. E386* has not been observed in referenced population frequency databases. In summary, NM_000098.2(CPT2):c.1156G>T(E386*) is a nonsense variant in a gene where loss of function is a known mechanism of disease and is predicted to disrupt protein function. Please note: this variant was assessed in the context of healthy population screening.

NM_000098.3(CPT2):c.1156G>T (p.Glu386Ter)

Gene: CPT2 (carnitine palmitoyltransferase 2; plus strand). Cytogenetic location: 1p32.3.
Variant type: single nucleotide variant.
Coding change: c.1156G>T on transcript NM_000098.3 (MANE Select); coding-DNA position 1156, G replaced by T.
Protein change: p.Glu386Ter; replaces glutamic acid 386 with a stop codon.
Molecular consequence: nonsense.
Genome position (GRCh38, 1-based): chr1:53,210,830, G>T. VCF-style: chr1-53210830-G-T. GRCh37 (hg19) VCF-style: chr1-53676502-G-T.
Other names: c.1156G>T, p.Glu386Ter (NM_001330589.2); short protein forms E386*.
Identifiers: ClinVar variation 5003559 (VCV005003559.1).